The following is an entry in ClinVar:

NM_000135.4(FANCA):c.128dup (p.Leu43fs)

Gene: FANCA (FA complementation group A; minus strand). Cytogenetic location: 16q24.3.
Variant type: Duplication.
Coding change: c.128dup on transcript NM_000135.4 (MANE Select); coding-DNA position 128, one base duplicated (T; older notation c.128dupT).
Protein change: p.Leu43fs; shifts the reading frame from leucine 43.
Molecular consequence: frameshift variant.
Genome position (GRCh38, 1-based): chr16:89,815,938, A duplicated on the plus strand (T on the coding strand, the reverse complement: FANCA is on the minus strand); the first of 2 consecutive A bases (chr16:89,815,938-89,815,939); duplicating either gives the same sequence. VCF-style (leftmost placement, unchanged base first): chr16-89815937-T-TA. GRCh37 (hg19) VCF-style: chr16-89882345-T-TA.
Other names: c.128dup, p.Leu43fs (NM_001018112.3, NM_001286167.3, NM_001351830.2); short protein forms L43fs.
Identifiers: ClinVar variation 4817511 (VCV004817511.1).

ClinVar aggregate classification (germline): Likely pathogenic (1 of 4 stars; one submission).

Conditions:
Fanconi anemia (FA). Also called: Fanconi's anemia. Identifiers: Orphanet 84, MedGen C0015625, MeSH D005199, MONDO:0019391.

Submission:

Natera, Inc.
Classification: Likely pathogenic for Fanconi anemia. Last evaluated: 2024-05-14. Review status: criteria provided, single submitter. Criteria: Natera Variant Classification Schema (03/2026). Collection method: clinical testing. Allele origin: germline.
Comment: The c.128dup variant in FANCA is a frameshift variant predicted to shift the reading frame beginning at codon 43 and leads to a stop codon 21 codons downstream. This variant is expected to result in nonsense mediated decay, truncation, or a dysfunctional protein product. This variant is rare in the general population with a frequency below the threshold expected for the associated phenotype(s). Given the available evidence, this variant is classified as Likely Pathogenic.